The following is an entry in ClinVar:

ClinVar aggregate classification (germline): Uncertain significance. Review status: criteria provided, multiple submitters, no conflicts (2 of 4 stars). 2 submissions from 2 submitters: Uncertain significance (2). Last evaluated 2025-04-28.

Conditions:
Emery-Dreifuss muscular dystrophy 5, autosomal dominant (EDMD5). Also called: EMERY-DREIFUSS MUSCULAR DYSTROPHY 5. Identifiers: Orphanet 261, MedGen C2751805, MONDO:0013072, OMIM 612999.

Allele frequency attached by ClinVar (database versions not stated): gnomAD exomes below 0.00001.
gnomAD v4.1: 2 of 1,614,070 alleles (0.00012%); highest among the groups gnomAD compares: Non-Finnish European, 0.000085%; no homozygotes.

Submissions (2):

Ambry Genetics
Classification: Uncertain significance. Last evaluated: 2025-04-28. Review status: criteria provided, single submitter. Criteria: Ambry Variant Classification Scheme 2023. Collection method: clinical testing. Allele origin: germline.

Labcorp Genetics (formerly Invitae), Labcorp
Classification: Uncertain significance for Emery-Dreifuss muscular dystrophy 5, autosomal dominant. Last evaluated: 2022-01-24. Review status: criteria provided, single submitter. Criteria: Invitae Variant Classification Sherloc (09022015). Collection method: clinical testing. Allele origin: germline.
Comment: In summary, the available evidence is currently insufficient to determine the role of this variant in disease. Therefore, it has been classified as a Variant of Uncertain Significance. Algorithms developed to predict the effect of missense changes on protein structure and function are either unavailable or do not agree on the potential impact of this missense change (SIFT: "Deleterious"; PolyPhen-2: "Probably Damaging"; Align-GVGD: "Class C0"). This variant has not been reported in the literature in individuals affected with SYNE2-related conditions. This variant is not present in population databases (gnomAD no frequency). This sequence change replaces proline, which is neutral and non-polar, with serine, which is neutral and polar, at codon 3323 of the SYNE2 protein (p.Pro3323Ser).

NM_182914.3(SYNE2):c.9967C>T (p.Pro3323Ser)

Gene: SYNE2 (spectrin repeat containing nuclear envelope protein 2; plus strand). Cytogenetic location: 14q23.2.
Variant type: single nucleotide variant.
Coding change: c.9967C>T on transcript NM_182914.3 (MANE Select); coding-DNA position 9967, C replaced by T.
Protein change: p.Pro3323Ser; replaces proline 3323 with serine.
Molecular consequence: missense variant.
Genome position (GRCh38, 1-based): chr14:64,056,166, C>T. VCF-style: chr14-64056166-C-T. GRCh37 (hg19) VCF-style: chr14-64522884-C-T.
Other names: c.9967C>T (NM_182914.2); c.9967C>T, p.Pro3323Ser (NM_015180.6); short protein forms P3323S.
Identifiers: ClinVar variation 2159679 (VCV002159679.5), dbSNP rs2548359921, ClinGen allele CA389987905.
Genomic context (GRCh38, chr14:64,056,166, plus strand): 5'-TTGGAATCCACAGTAGCACACATCCAGGACCTCACTGAGAAACTGGGAATGATATCCAGC[C>T]CCGAAGCCAAACTACAACTTCAGTATACTTTACAGGAACTAGTTTCTAAGAACTCAGCAA-3'
Protein context (NP_878918.2, residues 3313-3333): LTEKLGMISS[Pro3323Ser]EAKLQLQYTL